The following is an entry in ClinVar:

ClinVar aggregate classification (germline): Pathogenic/Likely pathogenic. Review status: criteria provided, multiple submitters, no conflicts (2 of 4 stars). 7 submissions from 6 submitters: Pathogenic (4); Likely pathogenic (1). 2 of the submissions do not count toward it. Last evaluated 2026-06-30.

Conditions:
Cardiovascular phenotype. Identifiers: MedGen CN230736.
ACTN2-related disorder. Also called: ACTN2 related condition; ACTN2-related disorders.
Cardiomyopathy, familial hypertrophic, 23, with or without ventricular noncompaction. Also called: Familial hypertrophic cardiomyopathy 23; Cardiomyopathy, hypertrophic, 23, with or without LVNC. Identifiers: MedGen C4225649, MONDO:0800347.
Dilated cardiomyopathy 1AA (CMD1AA). Also called: Cardiomyopathy, dilated, 1AA, with or without LVNC; CARDIOMYOPATHY, DILATED, 1AA, WITH OR WITHOUT LEFT VENTRICULAR NONCOMPACTION; CARDIOMYOPATHY, FAMILIAL HYPERTROPHIC, 23, WITH OR WITHOUT LEFT VENTRICULAR NONCOMPACTION. Identifiers: Orphanet 154, MedGen C2677338, MONDO:0012808, OMIM 612158.
Primary familial hypertrophic cardiomyopathy (HCM). Identifiers: Orphanet 99739, MedGen C0949658, MeSH D024741, MONDO:0024573. Inheritance: Various modes of inheritance.
Primary dilated cardiomyopathy (DCM). Also called: Dilated Cardiomyopathy. Identifiers: Orphanet 217604, MedGen C0007193, MeSH D002311, MONDO:0005021, HP:0001644. Inheritance: Various modes of inheritance.
Hypertrophic cardiomyopathy. Also called: HYPERTROPHIC MYOCARDIOPATHY. Identifiers: Orphanet 217569, MedGen C0007194, MeSH D002312, MONDO:0005045, HP:0001639.

Allele frequency attached by ClinVar (database versions not stated): gnomAD exomes below 0.00001.
gnomAD v4.1: 2 of 1,614,020 alleles (0.00012%); highest among the groups gnomAD compares: Non-Finnish European, 0.000085%; no homozygotes.

Submissions (8):

Ambry Genetics
Classification: Likely pathogenic for Cardiovascular phenotype. Last evaluated: 2026-06-30. Review status: criteria provided, single submitter. Criteria: Ambry Variant Classification Scheme 2023. Collection method: clinical testing. Allele origin: germline.
Comment: The p.A119T variant (also known as c.355G>A), located in coding exon 3 of the ACTN2 gene, results from a G to A substitution at nucleotide position 355. The alanine at codon 119 is replaced by threonine, an amino acid with similar properties. This variant was identified in one or more individuals with features consistent with ACTN2-related myopathy and segregated with disease in at least one family (Chiu C et al. J Am Coll Cardiol, 2010 Mar;55:1127-35; Bagnall RD et al. BMC Med Genet, 2014 Sep;15:99; Kraoua L et al. Mol Genet Genomic Med, 2022 Jul;10:e1954; Isbister JC et al. Int J Cardiol, 2021 Feb;324:96-101). In an assay testing ACTN2 function, this variant showed a functionally indeterminant result (Haywood NJ et al. Biochem J, 2016 Aug;473:2485-93). This amino acid position is highly conserved in available vertebrate species. In addition, this alteration is predicted to be deleterious by in silico analysis. This variant is considered to be rare based on population cohorts in the Genome Aggregation Database (gnomAD). Based on the majority of available evidence to date, this variant is likely to be pathogenic.

Labcorp Genetics (formerly Invitae), Labcorp
Classification: Pathogenic for Primary familial hypertrophic cardiomyopathy; Dilated cardiomyopathy 1AA. Last evaluated: 2023-12-14. Review status: criteria provided, single submitter. Criteria: Invitae Variant Classification Sherloc (09022015). Collection method: clinical testing. Allele origin: germline.
Comment: This sequence change replaces alanine, which is neutral and non-polar, with threonine, which is neutral and polar, at codon 119 of the ACTN2 protein (p.Ala119Thr). This variant is not present in population databases (gnomAD no frequency). This missense change has been observed in individual(s) with hypertrophic cardiomyopathy, left ventricular noncompaction, and/or ventricular fibrillation (PMID: 20022194, 25224718, 32931854, 35656879). It has also been observed to segregate with disease in related individuals. ClinVar contains an entry for this variant (Variation ID: 162727). Advanced modeling of protein sequence and biophysical properties (such as structural, functional, and spatial information, amino acid conservation, physicochemical variation, residue mobility, and thermodynamic stability) performed at Invitae indicates that this missense variant is expected to disrupt ACTN2 protein function with a positive predictive value of 80%. Experimental studies have shown that this missense change affects ACTN2 function (PMID: 27287556). For these reasons, this variant has been classified as Pathogenic.

Rady Children's Institute for Genomic Medicine, Rady Children's Hospital San Diego
Classification: Pathogenic for ACTN2-related disorders. Last evaluated: 2020-03-19. Review status: criteria provided, single submitter. Criteria: ACMG Guidelines, 2015. Collection method: clinical testing. Allele origin: germline. Affected: yes.
Comment: This variant has been previously reported as a heterozygous change and segregating with disease in families with cardiac phenotype heterogeneity. Phenotypes included dilated cardiomyopathy, left ventricular noncompaction, ventricular fibrillation, and sudden death (PMID: 20022194, 25224718). Functional characterization of the variant demonstrated reduced F-actin binding affinity and altered Z-disc localization and dynamics (PMID: 27287556). It is absent from the gnomAD population database and thus is presumed to be rare. The c.355G>A (p.Ala119Thr) variant affects a highly conserved amino acid and is predicted by multiple in silico tools to have a deleterious effect on protein function. ClinVar contains an entry for this variant (Variation ID: 162727). Based on the available evidence, the c.355G>A (p.Ala119Thr) variant is classified as Pathogenic.

Blueprint Genetics
Classification: Pathogenic for ACTN2-related disorders. Last evaluated: 2019-09-24. Review status: criteria provided, single submitter. Criteria: ACMG Guidelines, 2015. Collection method: clinical testing. Allele origin: germline. Affected: yes. Observed: 1 variant allele.

Laboratory for Molecular Medicine, Mass General Brigham Personalized Medicine
Classification: Pathogenic for Hypertrophic cardiomyopathy; Primary dilated cardiomyopathy. Last evaluated: 2014-02-06. Review status: criteria provided, single submitter. Criteria: LMM Criteria. Collection method: clinical testing. Allele origin: germline. Inheritance: Autosomal dominant inheritance. Observed: 3 variant alleles.
Comment: The p.Ala119Thr variant in ACTN2 has previously been reported in a large Austral ian family with HCM, segregated with disease in 6 affected relatives including o ne obligate carrier (Chiu 2006). It was absent from large population studies. Th is variant meets our criteria to be classified as pathogenic for HCM based upon segregation studies and absence from controls.

OMIM
Classification: Pathogenic for CARDIOMYOPATHY, DILATED, 1AA, WITH OR WITHOUT LEFT VENTRICULAR NONCOMPACTION. Last evaluated: 2014-09-16. Review status: no assertion criteria provided. Collection method: literature only. Allele origin: germline. Not counted in ClinVar's aggregate classification.

OMIM
Classification: Pathogenic for CARDIOMYOPATHY, FAMILIAL HYPERTROPHIC, 23. Last evaluated: 2014-09-16. Review status: no assertion criteria provided. Collection method: literature only. Allele origin: germline. Not counted in ClinVar's aggregate classification.

Avery Lab, Oakland University
No classification provided (evidence only). Condition: Dilated cardiomyopathy 1AA; Hypertrophic cardiomyopathy 1. Review status: no classification provided. Collection method: in vitro. Allele origin: not applicable. Functional consequence: loss of function. Not counted in ClinVar's aggregate classification.

Literature cited by the submitters: PubMed 20022194 (cited by 4 submitters); PubMed 25224718 (cited by 3 submitters); PubMed 27287556 (cited by Ambry Genetics and Labcorp Genetics (formerly Invitae), Labcorp); PubMed 32931854 (cited by Ambry Genetics and Labcorp Genetics (formerly Invitae), Labcorp); PubMed 35656879 (cited by Ambry Genetics and Labcorp Genetics (formerly Invitae), Labcorp); PubMed 17097056 (cited by OMIM).

NM_001103.4(ACTN2):c.355G>A (p.Ala119Thr)

Gene: ACTN2 (actinin alpha 2; plus strand). Cytogenetic location: 1q43.
Variant type: single nucleotide variant.
Coding change: c.355G>A on transcript NM_001103.4 (MANE Select); coding-DNA position 355, G replaced by A.
Protein change: p.Ala119Thr; replaces alanine 119 with threonine.
Molecular consequence: missense variant. On other transcripts: 5 prime UTR variant (1).
Genome position (GRCh38, 1-based): chr1:236,719,007, G>A. VCF-style: chr1-236719007-G-A. GRCh37 (hg19) VCF-style: chr1-236882307-G-A.
Other names: c.355G>A, p.Ala119Thr (NM_001278343.2); c.-467G>A (NM_001278344.2); short protein forms A119T.
Identifiers: ClinVar variation 162727 (VCV000162727.20), dbSNP rs727502886, ClinGen allele CA199276.